The following is an entry in ClinVar:

NM_001267550.2(TTN):c.68087C>A (p.Ser22696Ter)

Genes: TTN (titin; minus strand), TTN-AS1 (TTN antisense RNA 1; plus strand), LOC126806423 (CDK7 strongly-dependent group 2 enhancer GRCh37_chr2:179443309-179444508; plus strand). Cytogenetic location: 2q31.2.
Variant type: single nucleotide variant.
Coding change: c.68087C>A on transcript NM_001267550.2 (MANE Select); coding-DNA position 68087, C replaced by A.
Protein change: p.Ser22696Ter; replaces serine 22696 with a stop codon.
Molecular consequence: nonsense.
Genome position (GRCh38, 1-based): chr2:178,578,943, G>T on the plus strand (C>A on the coding strand, the complement: TTN is on the minus strand). VCF-style: chr2-178578943-G-T. GRCh37 (hg19) VCF-style: chr2-179443670-G-T.
Other names: c.63164C>A, p.Ser21055Ter (NM_001256850.1); c.40892C>A, p.Ser13631Ter (NM_003319.4); c.60383C>A, p.Ser20128Ter (NM_133378.4); c.41267C>A, p.Ser13756Ter (NM_133432.3); c.41468C>A, p.Ser13823Ter (NM_133437.4); short protein forms S13631*, S13756*, S13823*, S20128*, S21055*, S22696*.
Identifiers: ClinVar variation 2574057 (VCV002574057.1), dbSNP rs1245154926, ClinGen allele CA349421699.

ClinVar aggregate classification (germline): Likely pathogenic (0 of 4 stars; one submission).

Conditions:
Dilated cardiomyopathy 1G (CMD1G). Identifiers: Orphanet 154, MedGen C1858763, MONDO:0011400, OMIM 604145.

Submission:

deCODE genetics, Amgen
Classification: Likely pathogenic for Dilated cardiomyopathy 1G. Last evaluated: 2023-07-21. Review status: no assertion criteria provided. Collection method: research. Allele origin: germline. Affected: yes. Observed: 11 variant alleles.
Comment: The variant NM_001267550.2:c.68087C>A (chr2:178578943) in TTN was detected in 6 heterozygotes out of 58K WGS Icelanders (MAF= 0,005%). Following imputation in a set of 166K Icelanders (11 imputed heterozygotes) we observed an association with cardiomyopathy using 1974 cases and 365360 controls (OR= 30.22, P= 4.63e-03). This variant has not been reported in ClinVar previously. Based on ACMG criteria (PVS1, PM2) this variant classifies as likely pathogenic.